The following is an entry in ClinVar:

ClinVar aggregate classification (germline): Conflicting classifications of pathogenicity. Review status: criteria provided, conflicting classifications (1 of 4 stars). 2 submissions from 2 submitters: Uncertain significance (1); Likely benign (1). Last evaluated 2024-11-30.

Conditions:
Cardiomyopathy (CMYO). Also called: Cardiomyopathies. Identifiers: Orphanet 167848, MedGen C0878544, MONDO:0004994, HP:0001638. Inheritance: Various modes of inheritance.
Hypertrophic cardiomyopathy. Also called: HYPERTROPHIC MYOCARDIOPATHY. Identifiers: Orphanet 217569, MedGen C0007194, MeSH D002312, MONDO:0005045, HP:0001639.

gnomAD v4.1: 2 of 1,613,982 alleles (0.00012%); highest among the groups gnomAD compares: Non-Finnish European, 0.00017%; no homozygotes.

Submissions (2):

Labcorp Genetics (formerly Invitae), Labcorp
Classification: Uncertain significance for Hypertrophic cardiomyopathy. Last evaluated: 2024-11-30. Review status: criteria provided, single submitter. Criteria: Invitae Variant Classification Sherloc (09022015). Collection method: clinical testing. Allele origin: germline.
Comment: This sequence change replaces proline, which is neutral and non-polar, with alanine, which is neutral and non-polar, at codon 21 of the MYL3 protein (p.Pro21Ala). This variant is not present in population databases (gnomAD no frequency). This variant has not been reported in the literature in individuals affected with MYL3-related conditions. ClinVar contains an entry for this variant (Variation ID: 1332613). An algorithm developed to predict the effect of missense changes on protein structure and function outputs the following: PolyPhen-2: "Not Available". The alanine amino acid residue is found in multiple mammalian species, which suggests that this missense change does not adversely affect protein function. In summary, the available evidence is currently insufficient to determine the role of this variant in disease. Therefore, it has been classified as a Variant of Uncertain Significance.

Color Diagnostics, LLC DBA Color Health
Classification: Likely benign for Cardiomyopathy. Last evaluated: 2024-09-03. Review status: criteria provided, single submitter. Criteria: ACMG Guidelines, 2015. Collection method: clinical testing. Allele origin: germline.

NM_000258.3(MYL3):c.61C>G (p.Pro21Ala)

Gene: MYL3 (myosin light chain 3; minus strand). Cytogenetic location: 3p21.31.
Variant type: single nucleotide variant.
Coding change: c.61C>G on transcript NM_000258.3 (MANE Select); coding-DNA position 61, C replaced by G.
Protein change: p.Pro21Ala; replaces proline 21 with alanine.
Molecular consequence: missense variant.
Genome position (GRCh38, 1-based): chr3:46,863,330, G>C on the plus strand (C>G on the coding strand, the complement: MYL3 is on the minus strand). VCF-style: chr3-46863330-G-C. GRCh37 (hg19) VCF-style: chr3-46904820-G-C.
Other names: short protein forms P21A.
Identifiers: ClinVar variation 1332613 (VCV001332613.6), dbSNP rs779557153, ClinGen allele CA352499727.
Genomic context (GRCh38, chr3:46,863,330, plus strand): 5'-TGGAAGCATCAAACTCGACCTCCTTAGGGCGCTCAGGCTCAGGGGGAGGTGCGGGAGCTG[G>C]AGCTGCCTTGGGGGCTGCCTTGGCATCATCCTTCTTGGGCTCTGGCTTTTTGGGGGCCAT-3'
Protein context (NP_000249.1, residues 11-31): DDAKAAPKAA[Pro21Ala]APAPPPEPER